The following is an entry in ClinVar:

NM_000059.4(BRCA2):c.7618-14T>A

Gene: BRCA2 (BRCA2 DNA repair associated; plus strand). Cytogenetic location: 13q13.1.
Variant type: single nucleotide variant.
Coding change: c.7618-14T>A on transcript NM_000059.4 (MANE Select); 14 bases into the intron before coding-DNA position 7618, T replaced by A.
Molecular consequence: intron variant.
Genome position (GRCh38, 1-based): chr13:32,357,728, T>A. VCF-style: chr13-32357728-T-A. GRCh37 (hg19) VCF-style: chr13-32931865-T-A.
Other names: c.7618-14T>A (NM_001406720.1); c.7522-14T>A (NM_001406719.1); c.2686-14T>A (NM_001406721.1); c.1201-14T>A (NM_001406722.1).
Identifiers: ClinVar variation 3071655 (VCV003071655.2), dbSNP rs2137565925, ClinGen allele CA2546177827.
Genomic context (GRCh38, chr13:32,357,728, plus strand): 5'-ATAATTGTTTTTATTGTGTGATACATGTTTACTTTAAATTGTTTTTCTTTTTTGTGTGTG[T>A]TTATTTTGTGTAGCTGTATACGTATGGCGTTTCTAAACATTGCATAAAAATTAACAGCAA-3'

ClinVar aggregate classification (germline): Likely benign. Review status: criteria provided, multiple submitters, no conflicts (2 of 4 stars). 2 submissions from 2 submitters: Likely benign (2). Last evaluated 2025-09-10.

Conditions:
Breast-ovarian cancer, familial, susceptibility to, 2 (BROVCA2). Also called: BRCA2 Hereditary Breast and Ovarian Cancer. Identifiers: Orphanet 145, MedGen C2675520, MONDO:0012933, OMIM 612555. Disease mechanism: loss of function.
Hereditary breast ovarian cancer syndrome. Also called: Hereditary breast and ovarian cancer syndrome; Hereditary breast and ovarian cancer syndrome (HBOC); Hereditary breast and ovarian cancer; Breast and ovarian cancer; Hereditary breast and/or ovarian cancer syndrome; BRCA1- and BRCA2-Associated Hereditary Breast and Ovarian Cancer. Identifiers: Orphanet 145, MedGen C0677776, MeSH D061325, MONDO:0003582. Disease mechanism: loss of function.

Submissions (2):

Labcorp Genetics (formerly Invitae), Labcorp
Classification: Likely benign for Hereditary breast ovarian cancer syndrome. Last evaluated: 2025-09-10. Review status: criteria provided, single submitter. Criteria: Invitae Variant Classification Sherloc (09022015). Collection method: clinical testing. Allele origin: germline.

All of Us Research Program, National Institutes of Health
Classification: Likely benign for Breast-ovarian cancer, familial, susceptibility to, 2. Last evaluated: 2023-06-08. Review status: criteria provided, single submitter. Criteria: ACMG Guidelines, 2015. Collection method: clinical testing. Allele origin: germline. Inheritance: Autosomal dominant inheritance. Observed: 1 variant allele, 1 heterozygote.
Comment: This study involves interpretation of variants in research participants for the purpose of population health screening. Participant phenotype was not available at the time of variant classification. Additional details can be found in publication PMID: 35346344, PMCID: PMC8962531